The following is an entry in ClinVar:

NM_001267550.2(TTN):c.51459T>G (p.Asp17153Glu)

Genes: TTN (titin; minus strand), TTN-AS1 (TTN antisense RNA 1; plus strand). Cytogenetic location: 2q31.2.
Variant type: single nucleotide variant.
Coding change: c.51459T>G on transcript NM_001267550.2 (MANE Select); coding-DNA position 51459, T replaced by G.
Protein change: p.Asp17153Glu; replaces aspartic acid 17153 with glutamic acid.
Molecular consequence: missense variant.
Genome position (GRCh38, 1-based): chr2:178,609,964, A>C on the plus strand (T>G on the coding strand, the complement: TTN is on the minus strand). VCF-style: chr2-178609964-A-C. GRCh37 (hg19) VCF-style: chr2-179474691-A-C.
Other names: c.46536T>G, p.Asp15512Glu (NM_001256850.1); c.24264T>G, p.Asp8088Glu (NM_003319.4); c.43755T>G, p.Asp14585Glu (NM_133378.4); c.24639T>G, p.Asp8213Glu (NM_133432.3); c.24840T>G, p.Asp8280Glu (NM_133437.4); short protein forms D14585E, D15512E, D17153E, D8088E, D8213E, D8280E.
Identifiers: ClinVar variation 2438391 (VCV002438391.29), dbSNP rs151281257, ClinGen allele CA1994185.

ClinVar aggregate classification (germline): Uncertain significance. Review status: criteria provided, multiple submitters, no conflicts (2 of 4 stars). 3 submissions from 3 submitters: Uncertain significance (3). Last evaluated 2023-08-01.

Conditions:
Cardiomyopathy (CMYO). Also called: Cardiomyopathies. Identifiers: Orphanet 167848, MedGen C0878544, MONDO:0004994, HP:0001638. Inheritance: Various modes of inheritance.

Allele frequency attached by ClinVar (database versions not stated): gnomAD 0.00003; TOPMed 0.00003; gnomAD exomes 0.00004; ExAC 0.00008; 1000 Genomes Project 30x 0.00016; 1000 Genomes Project 0.00020.
gnomAD v4.1: 59 of 1,612,134 alleles (0.0037%); highest among the groups gnomAD compares: East Asian, 0.02%; no homozygotes.

Submissions (3):

CeGaT Center for Human Genetics Tuebingen
Classification: Uncertain significance. Last evaluated: 2023-08-01. Review status: criteria provided, single submitter. Criteria: CeGaT Center For Human Genetics Tuebingen Variant Classification Criteria Version 2. Collection method: clinical testing. Allele origin: germline. Affected: yes. Observed: 1 variant allele.
Comment: TTN: PM2

Revvity Omics, Revvity
Classification: Uncertain significance. Last evaluated: 2022-07-01. Review status: criteria provided, single submitter. Criteria: ACMG Guidelines, 2015. Collection method: clinical testing. Allele origin: germline.

CHEO Genetics Diagnostic Laboratory, Children's Hospital of Eastern Ontario
Classification: Uncertain significance for Cardiomyopathy. Last evaluated: 2021-09-09. Review status: criteria provided, single submitter. Criteria: ACMG Guidelines, 2015. Collection method: clinical testing. Allele origin: germline.